The following is an entry in ClinVar:

NM_001374828.1(ARID1B):c.5916dup (p.Ser1974fs)

Gene: ARID1B (AT-rich interaction domain 1B; plus strand). Cytogenetic location: 6q25.3.
Variant type: Duplication.
Coding change: c.5916dup on transcript NM_001374828.1 (MANE Select); coding-DNA position 5916, one base duplicated (C; older notation c.5916dupC).
Protein change: p.Ser1974fs; shifts the reading frame from serine 1974.
Molecular consequence: frameshift variant.
Genome position (GRCh38, 1-based): chr6:157,206,688, C duplicated; the last of 6 consecutive C bases (chr6:157,206,683-157,206,688); duplicating any one gives the same sequence. VCF-style (leftmost placement, unchanged base first): chr6-157206682-T-TC. GRCh37 (hg19) VCF-style: chr6-157527816-T-TC.
Other names: c.5667dup (NM_001346813.1); c.5547dupC (NM_020732.3); c.5541_5542insC (NM_020732.3); c.3417dup, p.Ser1141fs (NM_001363725.2); c.5796dup, p.Ser1934fs (NM_001371656.1, NM_001374820.1); c.5757dup, p.Ser1921fs (NM_017519.3); c.5547dup (NM_020732.3); short protein forms S1141fs, S1921fs, S1934fs, S1974fs.
Identifiers: ClinVar variation 280569 (VCV000280569.6), dbSNP rs35441529, ClinGen allele CA10602935.
Genomic context (GRCh38, chr6:157,206,682, plus strand): 5'-CGAGCACATTCAGACTCACTTTGAGAGCAAGATGGAAATTCCTCCTCGCAGGCGCCCACC[T>TC]CCCCCCTTAAGCTCCGCAGGTAGAAAGAAAGAGCAAGAAGGCAAAGGCGACTCTGAAGAG-3'

ClinVar aggregate classification (germline): Pathogenic. Review status: criteria provided, multiple submitters, no conflicts (2 of 4 stars). 4 submissions from 4 submitters: Pathogenic (4). Last evaluated 2023-02-09.

Conditions:
Coffin-Siris syndrome 1 (CSS1). Also called: ARID1B-Related Coffin-Siris Syndrome; Mental retardation, autosomal dominant 12. Identifiers: Orphanet 1465, MedGen C3281201, MONDO:0007617, OMIM 135900. Disease mechanism: gain of function.

Submissions (4):

GeneDx
Classification: Pathogenic. Last evaluated: 2023-02-09. Review status: criteria provided, single submitter. Criteria: GeneDx Variant Classification Process June 2021. Collection method: clinical testing. Allele origin: germline. Affected: yes.
Comment: Identified in a patient with intellectual disability in published literature (Grozeva D et al., 2015); Frameshift variant predicted to result in protein truncation, as the last 339 amino acids are replaced with 4 different amino acids, and other loss-of-function variants have been reported downstream in HGMD; Not observed at significant frequency in large population cohorts (gnomAD); This variant is associated with the following publications: (PMID: 26350204)

3billion
Classification: Pathogenic for Coffin-Siris syndrome 1. Last evaluated: 2021-10-02. Review status: criteria provided, single submitter. Criteria: ACMG Guidelines, 2015. Collection method: clinical testing. Allele origin: unknown. Affected: yes. Observed: 1 heterozygote.
Comment: Frameshift: predicted to result in a loss or disruption of normal protein function through nonsense-mediated decay (NMD) or protein truncation. Multiple pathogenic variants are reported downstream of the variant (PVS1_VS). It is not observed in the gnomAD v2.1.1 dataset (PM2). The variant has been reported as pathogenic (ClinVar ID: VCV000280569.2). Therefore, this variant is classified as pathogenic according to the recommendation of ACMG/AMP guideline.

Genome-Nilou Lab
Classification: Pathogenic for Coffin-Siris syndrome 1. Last evaluated: 2021-07-15. Review status: criteria provided, single submitter. Criteria: ACMG Guidelines, 2015. Collection method: clinical testing. Allele origin: germline. Affected: no.

Institute of Human Genetics, University of Leipzig Medical Center
Classification: Pathogenic for Coffin-Siris syndrome 1. Last evaluated: 2016-06-16. Review status: criteria provided, single submitter. Criteria: ACMG Guidelines, 2015. Collection method: clinical testing. Allele origin: germline. Affected: yes. Observed: 1 variant allele.